The following is an entry in ClinVar:

ClinVar aggregate classification (germline): Uncertain significance (1 of 4 stars; one submission).

Submission:

Labcorp Genetics (formerly Invitae), Labcorp
Classification: Uncertain significance. Last evaluated: 2024-01-17. Review status: criteria provided, single submitter. Criteria: Invitae Variant Classification Sherloc (09022015). Collection method: clinical testing. Allele origin: germline.
Comment: This sequence change replaces glycine, which is neutral and non-polar, with arginine, which is basic and polar, at codon 960 of the GRIN2D protein (p.Gly960Arg). The frequency data for this variant in the population databases is considered unreliable, as metrics indicate insufficient coverage at this position in the gnomAD database. This variant has not been reported in the literature in individuals affected with GRIN2D-related conditions. Advanced modeling of protein sequence and biophysical properties (such as structural, functional, and spatial information, amino acid conservation, physicochemical variation, residue mobility, and thermodynamic stability) performed at Invitae indicates that this missense variant is not expected to disrupt GRIN2D protein function with a negative predictive value of 95%. In summary, the available evidence is currently insufficient to determine the role of this variant in disease. Therefore, it has been classified as a Variant of Uncertain Significance.

NM_000836.4(GRIN2D):c.2878G>C (p.Gly960Arg)

Gene: GRIN2D (glutamate ionotropic receptor NMDA type subunit 2D; plus strand). Cytogenetic location: 19q13.33.
Variant type: single nucleotide variant.
Coding change: c.2878G>C on transcript NM_000836.4 (MANE Select); coding-DNA position 2878, G replaced by C.
Protein change: p.Gly960Arg; replaces glycine 960 with arginine.
Molecular consequence: missense variant.
Genome position (GRCh38, 1-based): chr19:48,442,804, G>C. VCF-style: chr19-48442804-G-C. GRCh37 (hg19) VCF-style: chr19-48946061-G-C.
Other names: short protein forms G960R.
Identifiers: ClinVar variation 2792776 (VCV002792776.3), dbSNP rs1407679658, ClinGen allele CA406674083.